The following is an entry in ClinVar:

NM_025219.3(DNAJC5):c.524C>T (p.Pro175Leu)

Gene: DNAJC5 (DnaJ heat shock protein family (Hsp40) member C5; plus strand). Cytogenetic location: 20q13.33.
Variant type: single nucleotide variant.
Coding change: c.524C>T on transcript NM_025219.3 (MANE Select); coding-DNA position 524, C replaced by T.
Protein change: p.Pro175Leu; replaces proline 175 with leucine.
Molecular consequence: missense variant.
Genome position (GRCh38, 1-based): chr20:63,931,495, C>T. VCF-style: chr20-63931495-C-T. GRCh37 (hg19) VCF-style: chr20-62562848-C-T.
Other names: short protein forms P175L.
Identifiers: ClinVar variation 431814 (VCV000431814.13), dbSNP rs761982169, ClinGen allele CA9969802.

ClinVar aggregate classification (germline): Conflicting classifications of pathogenicity. Review status: criteria provided, conflicting classifications (1 of 4 stars). 4 submissions from 4 submitters: Uncertain significance (3); Likely benign (1). Last evaluated 2025-10-20.

Conditions:
Ceroid lipofuscinosis, neuronal, 4 (Kufs type) (CLN4). Also called: Neuronal ceroid lipofuscinosis 4B; Ceroid lipofuscinosis, neuronal, 4, Parry type. Identifiers: Orphanet 228343, Orphanet 79262, MedGen C1834207, MONDO:0008083, OMIM 162350.
Inborn genetic diseases. Identifiers: MedGen C0950123, MeSH D030342.
Neuronal ceroid lipofuscinosis. Also called: Neuronal Ceroid Lipofuscinoses. Identifiers: Orphanet 216, Orphanet 79263, MedGen C0027877, MONDO:0016295. Disease mechanism: loss of function.

Allele frequency attached by ClinVar (database versions not stated): gnomAD exomes 0.00003 and 0.00019; gnomAD 0.00006 and 0.00007; TOPMed 0.00008; ExAC 0.00010; 1000 Genomes Project 30x 0.00016.
gnomAD v4.1: 273 of 1,576,202 alleles (0.017%); highest among the groups gnomAD compares: Non-Finnish European, 0.023%; no homozygotes.

Submissions (4):

Labcorp Genetics (formerly Invitae), Labcorp
Classification: Uncertain significance for Neuronal ceroid lipofuscinosis. Last evaluated: 2025-10-20. Review status: criteria provided, single submitter. Criteria: Invitae Variant Classification Sherloc (09022015). Collection method: clinical testing. Allele origin: germline.
Comment: This sequence change replaces proline, which is neutral and non-polar, with leucine, which is neutral and non-polar, at codon 175 of the DNAJC5 protein (p.Pro175Leu). The frequency data for this variant in the population databases is considered unreliable, as metrics indicate poor data quality at this position in the gnomAD database. This variant has not been reported in the literature in individuals affected with DNAJC5-related conditions. This missense change has been observed in at least one individual who was not affected with DNAJC5-related conditions (internal data). ClinVar contains an entry for this variant (Variation ID: 431814). An algorithm developed to predict the effect of missense changes on protein structure and function (PolyPhen-2) suggests that this variant is likely to be disruptive. In summary, the available evidence is currently insufficient to determine the role of this variant in disease. Therefore, it has been classified as a Variant of Uncertain Significance.

Ambry Genetics
Classification: Likely benign for Inborn genetic diseases. Last evaluated: 2023-11-03. Review status: criteria provided, single submitter. Criteria: Ambry Variant Classification Scheme 2023. Collection method: clinical testing. Allele origin: germline.

GeneDx
Classification: Uncertain significance. Last evaluated: 2017-06-01. Review status: criteria provided, single submitter. Criteria: GeneDx Variant Classification (06012015). Collection method: clinical testing. Allele origin: germline. Affected: yes.
Comment: A variant of uncertain significance has been identified in the DNAJC5 gene. The P175L variant has not been published as a pathogenic variant, nor has it been reported as a benign variant to our knowledge. The P175L variant is observed in 3/15352 (0.02%) alleles from individuals of European background (Lek et al., 2016; 1000 Genomes Consortium et al., 2015; Exome Variant Server). The P175L variant is a semi-conservative amino acid substitution, which may impact secondary protein structure as these residues differ in some properties. This substitution occurs at a position that is conserved across species and in silico analysis predicts this variant is probably damaging to the protein structure/function. However, missense variants in nearby residues have not been reported in Human Gene Mutation Database in association with DNAJC5-related disorders (Stenson et al., 2014). Therefore, based on the currently available information, it is unclear whether this variant is a pathogenic variant or a rare benign variant.

Juno Genomics, Hangzhou Juno Genomics, Inc
Classification: Uncertain significance for Ceroid lipofuscinosis, neuronal, 4 (Kufs type). Review status: criteria provided, single submitter. Criteria: ACMG Guidelines, 2015. Collection method: clinical testing. Allele origin: germline. Affected: yes.
Comment: Absent from controls (or at extremely low frequency if recessive) in Genome Aggregation Database, Exome Sequencing Project, 1000 Genomes Project, or Exome Aggregation Consortium.